The following is an entry in ClinVar:

ClinVar aggregate classification (germline): Uncertain significance (1 of 4 stars; one submission).

gnomAD v4.1: 2 of 1,613,818 alleles (0.00012%); highest among the groups gnomAD compares: Admixed American, 0.0017%; no homozygotes.

Submission:

GeneDx
Classification: Uncertain significance. Last evaluated: 2025-05-01. Review status: criteria provided, single submitter. Criteria: GeneDx Variant Classification Process June 2021. Collection method: clinical testing. Allele origin: germline. Affected: yes.
Comment: Not observed at significant frequency in large population cohorts (gnomAD); In silico analysis indicates that this missense variant does not alter protein structure/function; Has not been previously published as pathogenic or benign to our knowledge

NM_182961.4(SYNE1):c.9671A>G (p.His3224Arg)

Gene: SYNE1 (spectrin repeat containing nuclear envelope protein 1; minus strand). Cytogenetic location: 6q25.2.
Variant type: single nucleotide variant.
Coding change: c.9671A>G on transcript NM_182961.4 (MANE Select); coding-DNA position 9671, A replaced by G.
Protein change: p.His3224Arg; replaces histidine 3224 with arginine.
Molecular consequence: missense variant.
Genome position (GRCh38, 1-based): chr6:152,369,108, T>C on the plus strand (A>G on the coding strand, the complement: SYNE1 is on the minus strand). VCF-style: chr6-152369108-T-C. GRCh37 (hg19) VCF-style: chr6-152690243-T-C.
Other names: c.9692A>G, p.His3231Arg (NM_033071.5); short protein forms H3224R, H3231R.
Identifiers: ClinVar variation 4527475 (VCV004527475.1).